The following is an entry in ClinVar:

NM_173849.3(GSC):c.215C>G (p.Ala72Gly)

Gene: GSC (goosecoid homeobox; minus strand). Cytogenetic location: 14q32.13.
Variant type: single nucleotide variant.
Coding change: c.215C>G on transcript NM_173849.3 (MANE Select); coding-DNA position 215, C replaced by G.
Protein change: p.Ala72Gly; replaces alanine 72 with glycine.
Molecular consequence: missense variant.
Genome position (GRCh38, 1-based): chr14:94,769,801, G>C on the plus strand (C>G on the coding strand, the complement: GSC is on the minus strand). VCF-style: chr14-94769801-G-C. GRCh37 (hg19) VCF-style: chr14-95236138-G-C.
Other names: short protein forms A72G.
Identifiers: ClinVar variation 4767125 (VCV004767125.1).

ClinVar aggregate classification (germline): Uncertain significance (1 of 4 stars; one submission).

gnomAD v4.1: 3 of 1,416,364 alleles (0.00021%); highest among the groups gnomAD compares: Non-Finnish European, 0.00027%; no homozygotes.

Submission:

Labcorp Genetics (formerly Invitae), Labcorp
Classification: Uncertain significance. Last evaluated: 2026-01-05. Review status: criteria provided, single submitter. Criteria: Invitae Variant Classification Sherloc (09022015). Collection method: clinical testing. Allele origin: germline.
Comment: This sequence change replaces alanine, which is neutral and non-polar, with glycine, which is neutral and non-polar, at codon 72 of the GSC protein (p.Ala72Gly). This variant is not present in population databases (gnomAD no frequency). This variant has not been reported in the literature in individuals affected with GSC-related conditions. An algorithm developed to predict the effect of missense changes on protein structure and function (PolyPhen-2) suggests that this variant is likely to be tolerated. In summary, the available evidence is currently insufficient to determine the role of this variant in disease. Therefore, it has been classified as a Variant of Uncertain Significance.